The following is an entry in ClinVar:

ClinVar aggregate classification (germline): Likely pathogenic. Review status: criteria provided, multiple submitters, no conflicts (2 of 4 stars). 3 submissions from 3 submitters: Likely pathogenic (3). Last evaluated 2023-03-07.

Conditions:
Mucopolysaccharidosis, MPS-IV-A (MPS4A). Also called: Mucopolysaccharidosis type IV A; Mucopolysaccharidosis Type IVA; Morquio syndrome A, mild; MORQUIO SYNDROME A; MPS IVA; mucopolysaccharidosis type 4A. Identifiers: Orphanet 309297, Orphanet 582, MedGen C0086651, MONDO:0009659, OMIM 253000.

Allele frequency attached by ClinVar (database versions not stated): gnomAD exomes below 0.00001; TOPMed below 0.00001.
gnomAD v4.1: 1 of 1,611,046 alleles (0.000062%); highest among the groups gnomAD compares: Admixed American, 0.0017%; no homozygotes.

Submissions (3):

Revvity Omics, Revvity
Classification: Likely pathogenic for Mucopolysaccharidosis, MPS-IV-A. Last evaluated: 2023-03-07. Review status: criteria provided, single submitter. Criteria: ACMG Guidelines, 2015. Collection method: clinical testing. Allele origin: germline.

Labcorp Genetics (formerly Invitae), Labcorp
Classification: Likely pathogenic for Mucopolysaccharidosis, MPS-IV-A. Last evaluated: 2022-10-30. Review status: criteria provided, single submitter. Criteria: Invitae Variant Classification Sherloc (09022015). Collection method: clinical testing. Allele origin: germline.
Comment: This sequence change affects an acceptor splice site in intron 2 of the GALNS gene. It is expected to disrupt RNA splicing. Variants that disrupt the donor or acceptor splice site typically lead to a loss of protein function (PMID: 16199547), and loss-of-function variants in GALNS are known to be pathogenic (PMID: 12442278). The frequency data for this variant in the population databases is considered unreliable, as metrics indicate poor data quality at this position in the gnomAD database. Disruption of this splice site has been observed in individual(s) with mucopolysaccharidosis type IVA (PMID: 34387910). ClinVar contains an entry for this variant (Variation ID: 1048442). Algorithms developed to predict the effect of sequence changes on RNA splicing suggest that this variant may disrupt the consensus splice site. In summary, the currently available evidence indicates that the variant is pathogenic, but additional data are needed to prove that conclusively. Therefore, this variant has been classified as Likely Pathogenic.

Laboratory of Diagnosis and Therapy of Lysosomal Disorders, University of Padova
Classification: Likely pathogenic for Mucopolysaccharidosis, MPS-IV-A. Last evaluated: 2021-02-01. Review status: criteria provided, single submitter. Criteria: ACMG Guidelines, 2015. Collection method: research. Allele origin: germline. Affected: yes.
Comment: Splicing variant in canonical site (PVS1_strong); the prevalence of the variant in affected individuals is significantly increased compared with the prevalence in controls (PS4_supporting); very low frequency in gnomAD v2.1.1 (PM2_moderate)

Literature cited by the submitters: PubMed 16199547 (cited by Labcorp Genetics (formerly Invitae), Labcorp); PubMed 12442278 (cited by Labcorp Genetics (formerly Invitae), Labcorp); PubMed 34387910 (cited by Labcorp Genetics (formerly Invitae), Labcorp and Laboratory of Diagnosis and Therapy of Lysosomal Disorders, University of Padova).

NM_000512.5(GALNS):c.245-2A>G

Gene: GALNS (galactosamine (N-acetyl)-6-sulfatase; minus strand). Cytogenetic location: 16q24.3.
Variant type: single nucleotide variant.
Coding change: c.245-2A>G on transcript NM_000512.5 (MANE Select); the canonical splice acceptor site of the intron before coding-DNA position 245, A replaced by G.
Molecular consequence: splice acceptor variant.
Genome position (GRCh38, 1-based): chr16:88,841,973, T>C on the plus strand (A>G on the coding strand, the complement: GALNS is on the minus strand). VCF-style: chr16-88841973-T-C. GRCh37 (hg19) VCF-style: chr16-88908381-T-C.
Other names: c.-311-2A>G (NM_001323543.2); c.263-2A>G (NM_001323544.2).
Identifiers: ClinVar variation 1048442 (VCV001048442.10), dbSNP rs1352162269, ClinGen allele CA397089461.